The following is an entry in ClinVar:

ClinVar aggregate classification (germline): Likely benign. Review status: criteria provided, multiple submitters, no conflicts (2 of 4 stars). 2 submissions from 2 submitters: Likely benign (2). Last evaluated 2023-06-26.

Conditions:
Familial thoracic aortic aneurysm and aortic dissection (TAAD). Also called: Thoracic aortic aneurysms and dissections. Identifiers: Orphanet 91387, MedGen C4707243, MONDO:0019625.

Submissions (2):

All of Us Research Program, National Institutes of Health
Classification: Likely benign for Familial thoracic aortic aneurysm and aortic dissection. Last evaluated: 2023-06-26. Review status: criteria provided, single submitter. Criteria: ACMG Guidelines, 2015. Collection method: clinical testing. Allele origin: germline. Inheritance: Autosomal dominant inheritance. Observed: 1 variant allele, 1 heterozygote.
Comment: This study involves interpretation of variants in research participants for the purpose of population health screening. Participant phenotype was not available at the time of variant classification. Additional details can be found in publication PMID: 35346344, PMCID: PMC8962531

Color Diagnostics, LLC DBA Color Health
Classification: Likely benign for Familial thoracic aortic aneurysm and aortic dissection. Last evaluated: 2019-09-16. Review status: criteria provided, single submitter. Criteria: ACMG Guidelines, 2015. Collection method: clinical testing. Allele origin: germline.

NM_002474.3(MYH11):c.165G>C (p.Gly55=)

Gene: MYH11 (myosin heavy chain 11; minus strand). Cytogenetic location: 16p13.11.
Variant type: single nucleotide variant.
Coding change: c.165G>C on transcript NM_002474.3 (MANE Select); coding-DNA position 165, G replaced by C.
Protein change: p.Gly55=; no amino-acid change (glycine 55 retained).
Molecular consequence: synonymous variant.
Genome position (GRCh38, 1-based): chr16:15,838,088, C>G on the plus strand (G>C on the coding strand, the complement: MYH11 is on the minus strand). VCF-style: chr16-15838088-C-G. GRCh37 (hg19) VCF-style: chr16-15931945-C-G.
Other names: c.165G>C, p.Gly55= (NM_001040113.2, NM_001040114.2, NM_022844.3).
Identifiers: ClinVar variation 928351 (VCV000928351.3), dbSNP rs2043951314, ClinGen allele CA494102592.
Genomic context (GRCh38, chr16:15,838,088, plus strand): 5'-GTCATCTTTCCCAACCGTGACCTTCTTGCCATTCTCCACCAGCTCCACAACCACCTCATC[C>G]CCCTTCTCCTCCTTAATGCTGGCTGCCTCGAAGCCCTGCTTCTCCGAGGGGACCCAGACG-3'
Protein context (NP_002465.1, residues 45-65): FEAASIKEEK[Gly55=]DEVVVELVEN